The following is an entry in ClinVar:

NM_002772.3(TMPRSS15):c.2953C>G (p.Leu985Val)

Gene: TMPRSS15 (transmembrane serine protease 15; minus strand). Cytogenetic location: 21q21.1.
Variant type: single nucleotide variant.
Coding change: c.2953C>G on transcript NM_002772.3 (MANE Select); coding-DNA position 2953, C replaced by G.
Protein change: p.Leu985Val; replaces leucine 985 with valine.
Molecular consequence: missense variant.
Genome position (GRCh38, 1-based): chr21:18,270,076, G>C on the plus strand (C>G on the coding strand, the complement: TMPRSS15 is on the minus strand). VCF-style: chr21-18270076-G-C. GRCh37 (hg19) VCF-style: chr21-19642393-G-C.
Other names: short protein forms L985V.
Identifiers: ClinVar variation 2011611 (VCV002011611.1), dbSNP rs750010344, ClinGen allele CA9983851.
Genomic context (GRCh38, chr21:18,270,076, plus strand): 5'-CATACACTCCGGGGCGATTAGGCAGGGCACACTTGTATCCAAATGAGGTCACACCAGCAA[G>C]GAACCACCTGTTGTTTTCTTGGCACATTAATGGTCCTCCTGAATCCCCCTAAAGAGTGAA-3'
Protein context (NP_002763.3, residues 975-995): LMCQENNRWF[Leu985Val]AGVTSFGYKC

ClinVar aggregate classification (germline): Uncertain significance (1 of 4 stars; one submission).

Allele frequency attached by ClinVar (database versions not stated): gnomAD exomes below 0.00001; TOPMed 0.00001; ExAC 0.00002; gnomAD 0.00003.
gnomAD v4.1: 5 of 1,613,788 alleles (0.00031%); highest among the groups gnomAD compares: African/African-American, 0.0053%; no homozygotes.

Submission:

Labcorp Genetics (formerly Invitae), Labcorp
Classification: Uncertain significance. Last evaluated: 2022-05-24. Review status: criteria provided, single submitter. Criteria: Invitae Variant Classification Sherloc (09022015). Collection method: clinical testing. Allele origin: germline.
Comment: This sequence change replaces leucine, which is neutral and non-polar, with valine, which is neutral and non-polar, at codon 985 of the TMPRSS15 protein (p.Leu985Val). This variant is present in population databases (rs750010344, gnomAD 0.008%). This variant has not been reported in the literature in individuals affected with TMPRSS15-related conditions. Algorithms developed to predict the effect of missense changes on protein structure and function are either unavailable or do not agree on the potential impact of this missense change (SIFT: "Not Available"; PolyPhen-2: "Probably Damaging"; Align-GVGD: "Not Available"). In summary, the available evidence is currently insufficient to determine the role of this variant in disease. Therefore, it has been classified as a Variant of Uncertain Significance.